The following is an entry in ClinVar:

NM_032444.4(SLX4):c.660C>A (p.Asp220Glu)

Gene: SLX4 (SLX4 structure-specific endonuclease subunit; minus strand). Cytogenetic location: 16p13.3.
Variant type: single nucleotide variant.
Coding change: c.660C>A on transcript NM_032444.4 (MANE Select); coding-DNA position 660, C replaced by A.
Protein change: p.Asp220Glu; replaces aspartic acid 220 with glutamic acid.
Molecular consequence: missense variant.
Genome position (GRCh38, 1-based): chr16:3,606,574, G>T on the plus strand (C>A on the coding strand, the complement: SLX4 is on the minus strand). VCF-style: chr16-3606574-G-T. GRCh37 (hg19) VCF-style: chr16-3656575-G-T.
Other names: short protein forms D220E.
Identifiers: ClinVar variation 1004042 (VCV001004042.9), dbSNP rs767206967, ClinGen allele CA394533293.

ClinVar aggregate classification (germline): Uncertain significance. Review status: criteria provided, multiple submitters, no conflicts (2 of 4 stars). 2 submissions from 2 submitters: Uncertain significance (2). Last evaluated 2026-01-09.

Conditions:
Fanconi anemia (FA). Also called: Fanconi's anemia. Identifiers: Orphanet 84, MedGen C0015625, MeSH D005199, MONDO:0019391.

gnomAD v4.1: 2 of 1,614,190 alleles (0.00012%); highest among the groups gnomAD compares: Non-Finnish European, 0.00017%; no homozygotes.

Submissions (2):

Labcorp Genetics (formerly Invitae), Labcorp
Classification: Uncertain significance for Fanconi anemia. Last evaluated: 2026-01-09. Review status: criteria provided, single submitter. Criteria: Invitae Variant Classification Sherloc (09022015). Collection method: clinical testing. Allele origin: germline.
Comment: This sequence change replaces aspartic acid, which is acidic and polar, with glutamic acid, which is acidic and polar, at codon 220 of the SLX4 protein (p.Asp220Glu). This variant is not present in population databases (gnomAD no frequency). This variant has not been reported in the literature in individuals affected with SLX4-related conditions. ClinVar contains an entry for this variant (Variation ID: 1004042). An algorithm developed to predict the effect of missense changes on protein structure and function (PolyPhen-2) suggests that this variant is likely to be tolerated. In summary, the available evidence is currently insufficient to determine the role of this variant in disease. Therefore, it has been classified as a Variant of Uncertain Significance.

Sema4
Classification: Uncertain significance for Fanconi anemia. Last evaluated: 2021-06-23. Review status: criteria provided, single submitter. Criteria: Sema4 Curation Guidelines. Collection method: curation. Allele origin: germline.
Comment: The SLX4 c.660C>A (p.D220E) variant has not been reported in the literature to our knowledge. This variant was not observed in the large and broad cohorts of Genome Aggregation Database (PMID: 32461654). This variant has been reported in ClinVar (Variation ID 1004042). In silico tools suggest the impact of the variant on protein function is benign, though these predictions have not been confirmed by functional studies. The overall evidence is insufficient to meet ACMG/AMP criteria for classifying it as benign or pathogenic. In summary, the clinical significance of this variant is currently uncertain.